The following is an entry in ClinVar:

NM_001291815.2(HMCN2):c.4233T>C (p.Ser1411=)

Gene: HMCN2 (hemicentin 2; plus strand). Cytogenetic location: 9q34.11.
Variant type: single nucleotide variant.
Coding change: c.4233T>C on transcript NM_001291815.2 (MANE Select); coding-DNA position 4233, T replaced by C.
Protein change: p.Ser1411=; no amino-acid change (serine 1411 retained).
Molecular consequence: synonymous variant.
Genome position (GRCh38, 1-based): chr9:130,349,061, T>C. VCF-style: chr9-130349061-T-C. GRCh37 (hg19) VCF-style: chr9-133224448-T-C.
Identifiers: ClinVar variation 2659586 (VCV002659586.24), dbSNP rs753404073, ClinGen allele CA5282108.

ClinVar aggregate classification (germline): Likely benign (1 of 4 stars; one submission).

Allele frequency attached by ClinVar (database versions not stated): gnomAD exomes 0.00010; gnomAD 0.00011; TOPMed 0.00014; ExAC 0.00066.
gnomAD v4.1: 139 of 1,304,142 alleles (0.011%); highest among the groups gnomAD compares: Non-Finnish European, 0.0056%; no homozygotes.

Submission:

CeGaT Center for Human Genetics Tuebingen
Classification: Likely benign. Last evaluated: 2023-01-01. Review status: criteria provided, single submitter. Criteria: CeGaT Center For Human Genetics Tuebingen Variant Classification Criteria Version 2. Collection method: clinical testing. Allele origin: germline. Affected: yes. Observed: 1 variant allele.
Comment: HMCN2: BP4, BP7